The following is an entry in ClinVar:

ClinVar aggregate classification (germline): Likely benign (1 of 4 stars; one submission).

Allele frequency attached by ClinVar (database versions not stated): ExAC 0.00002; gnomAD 0.00002; TOPMed 0.00003.
gnomAD v4.1: 168 of 1,553,408 alleles (0.011%); highest among the groups gnomAD compares: Non-Finnish European, 0.014%; no homozygotes.

Submission:

CeGaT Center for Human Genetics Tuebingen
Classification: Likely benign. Last evaluated: 2022-11-01. Review status: criteria provided, single submitter. Criteria: CeGaT Center For Human Genetics Tuebingen Variant Classification Criteria Version 2. Collection method: clinical testing. Allele origin: germline. Affected: yes. Observed: 1 variant allele.
Comment: PYCR2: BP4, BP7

NM_013328.4(PYCR2):c.660G>A (p.Ser220=)

Gene: PYCR2 (pyrroline-5-carboxylate reductase 2; minus strand). Cytogenetic location: 1q42.12.
Variant type: single nucleotide variant.
Coding change: c.660G>A on transcript NM_013328.4 (MANE Select); coding-DNA position 660, G replaced by A.
Protein change: p.Ser220=; no amino-acid change (serine 220 retained).
Molecular consequence: synonymous variant.
Genome position (GRCh38, 1-based): chr1:225,921,345, C>T on the plus strand (G>A on the coding strand, the complement: PYCR2 is on the minus strand). VCF-style: chr1-225921345-C-T. GRCh37 (hg19) VCF-style: chr1-226109045-C-T.
Other names: c.438G>A, p.Ser146= (NM_001271681.2).
Identifiers: ClinVar variation 2639968 (VCV002639968.24), dbSNP rs780599845, ClinGen allele CA1420123.
Genomic context (GRCh38, chr1:225,921,345, plus strand): 5'-GTGGATGGTGGCTCCCCCAGGGGAGCAGACATTGTCCTTAAGCTGGCATGGATGCTGCTC[C>T]GAGTCCAGCAGCATCTTGGCAGCTCCCTATGGGGAAGGGCACATTAGGAGAAAGTTGCTG-3'
Protein context (NP_037460.2, residues 210-230): LLGAAKMLLD[Ser220=]EQHPCQLKDN